The following is an entry in ClinVar:

ClinVar aggregate classification (germline): Likely pathogenic (1 of 4 stars; one submission).

Submission:

GeneDx
Classification: Likely pathogenic. Last evaluated: 2017-07-13. Review status: criteria provided, single submitter. Criteria: GeneDx Variant Classification (06012015). Collection method: clinical testing. Allele origin: germline. Affected: yes.
Comment: The L270P variant in the PRUNE1 gene has not been reported previously as a pathogenic variant, nor as a benign variant, to our knowledge. The L270P variant is not observed in large population cohorts (Lek et al., 2016; 1000 Genomes Consortium et al., 2015; Exome Variant Server). The L270P variant is a semi-conservative amino acid substitution, which may impact secondary protein structure as these residues differ in some properties. This substitution occurs at a position that is conserved across species, and in silico analysis predicts this variant is probably damaging to the protein structure/function. We interpret L270P as a likely pathogenic variant.

NM_021222.3(PRUNE1):c.809T>C (p.Leu270Pro)

Gene: PRUNE1 (prune exopolyphosphatase 1; plus strand). Cytogenetic location: 1q21.3.
Variant type: single nucleotide variant.
Coding change: c.809T>C on transcript NM_021222.3 (MANE Select); coding-DNA position 809, T replaced by C.
Protein change: p.Leu270Pro; replaces leucine 270 with proline.
Molecular consequence: missense variant. On other transcripts: non-coding transcript variant (1), intron variant (1).
Genome position (GRCh38, 1-based): chr1:151,028,820, T>C. VCF-style: chr1-151028820-T-C. GRCh37 (hg19) VCF-style: chr1-151001296-T-C.
Other names: c.263T>C, p.Leu88Pro (NM_001303229.2); c.206T>C, p.Leu69Pro (NM_001303243.2); c.774+1493T>C (NM_001303242.2); short protein forms L270P, L88P, L69P.
Identifiers: ClinVar variation 450387 (VCV000450387.2), dbSNP rs1553254265, ClinGen allele CA341907376.